The following is an entry in ClinVar:

ClinVar aggregate classification (germline): Uncertain significance. Review status: reviewed by expert panel (3 of 4 stars). 2 submissions from 2 submitters: Uncertain significance (1). 1 of the submissions does not count toward it. Last evaluated 2025-12-16.

Conditions:
Glanzmann thrombasthenia. Also called: BLEEDING DISORDER, PLATELET-TYPE, 2; THROMBASTHENIA OF GLANZMANN AND NAEGELI; PLATELET GLYCOPROTEIN IIb-IIIa DEFICIENCY; Thrombasthenia; Glanzmann's thrombasthenia. Identifiers: Orphanet 849, MedGen C0040015, MONDO:0100326.

Allele frequency attached by ClinVar (database versions not stated): gnomAD exomes 0.00001 and 0.00003; ExAC 0.00002; gnomAD 0.00003; TOPMed 0.00003.
gnomAD v4.1: 52 of 1,614,020 alleles (0.0032%); highest among the groups gnomAD compares: Admixed American, 0.005%; no homozygotes.

Submissions (2):

ClinGen Platelet Disorders Variant Curation Expert Panel, ClinGen
Classification: Uncertain significance for Glanzmann thrombasthenia. Last evaluated: 2025-12-16. Review status: reviewed by expert panel. Criteria: ClinGen Platelet ACMG Specifications v2-1. Collection method: curation. Allele origin: germline. Inheritance: Autosomal recessive inheritance.
Comment: The c.43G>A variant in ITGA2B is a missense variant predicted to cause substitution of glutamic acid by lysine at amino acid 15. The highest population minor allele frequency in gnomAD v4.1 is 0.000049995 (3/60006 alleles) in the Admixed American genetic ancestry group, which is lower than the ClinGen PD VCEP threshold (<0.0001; PM2_Supporting). The computational predictor REVEL gives a score of 0.367, which is below the ClinGen PD VCEP PP3 threshold of >0.7 and does not predict a damaging effect on ITGA2B function. The computational splicing predictor SpliceAI indicated that the variant has no predicted impact on splicing. To our knowledge, this variant has not been reported in a Glanzmann thrombasthenia patient, and has only been observed by Illumina in a predisposition screen in an ostensibly healthy population. In summary, this variant meets the criteria to be classified as a variant of unknown significance - insufficient evidence for autosomal recessive Glanzmann Thrombasthenia based on the ACMG/AMP criteria applied, as specified by the ClinGen PD VCEP: PM2_Supporting. (VCEP specifications version 2)

Illumina Laboratory Services, Illumina
Classification: Uncertain significance for Glanzmann thrombasthenia 1. Last evaluated: 2017-04-27. Review status: criteria provided, single submitter. Criteria: ICSL Variant Classification Criteria 13 December 2019. Collection method: clinical testing. Allele origin: germline. Not counted in ClinVar's aggregate classification.

NM_000419.5(ITGA2B):c.43G>A (p.Glu15Lys)

Gene: ITGA2B (integrin subunit alpha 2b; minus strand). Cytogenetic location: 17q21.31.
Variant type: single nucleotide variant.
Coding change: c.43G>A on transcript NM_000419.5 (MANE Select); coding-DNA position 43, G replaced by A.
Protein change: p.Glu15Lys; replaces glutamic acid 15 with lysine.
Molecular consequence: missense variant.
Genome position (GRCh38, 1-based): chr17:44,389,431, C>T on the plus strand (G>A on the coding strand, the complement: ITGA2B is on the minus strand). VCF-style: chr17-44389431-C-T. GRCh37 (hg19) VCF-style: chr17-42466799-C-T.
Other names: NM_000419.5(ITGA2B):c.43G>A; p.Glu15Lys; short protein forms E15K.
Identifiers: ClinVar variation 892353 (VCV000892353.7), dbSNP rs779592785, ClinGen allele CA8603557.